The following is an entry in ClinVar:

NM_000163.5(GHR):c.411T>A (p.Asp137Glu)

Gene: GHR (growth hormone receptor; plus strand). Cytogenetic location: 5p12.
Variant type: single nucleotide variant.
Coding change: c.411T>A on transcript NM_000163.5 (MANE Select); coding-DNA position 411, T replaced by A.
Protein change: p.Asp137Glu; replaces aspartic acid 137 with glutamic acid.
Molecular consequence: missense variant.
Genome position (GRCh38, 1-based): chr5:42,695,061, T>A. VCF-style: chr5-42695061-T-A. GRCh37 (hg19) VCF-style: chr5-42695163-T-A.
Other names: c.432T>A, p.Asp144Glu (NM_001242399.2); c.411T>A, p.Asp137Glu (NM_001242400.2, NM_001242401.4, NM_001242402.2 and 5 more transcripts); c.345T>A, p.Asp115Glu (NM_001242460.2); short protein forms D144E, D115E, D137E.
Identifiers: ClinVar variation 2203372 (VCV002203372.5), dbSNP rs146914111, ClinGen allele CA3254393.

ClinVar aggregate classification (germline): Uncertain significance. Review status: criteria provided, multiple submitters, no conflicts (2 of 4 stars). 3 submissions from 3 submitters: Uncertain significance (3). Last evaluated 2024-12-09.

Allele frequency attached by ClinVar (database versions not stated): TOPMed 0.00013; gnomAD 0.00015; 1000 Genomes Project 30x 0.00016; 1000 Genomes Project 0.00020; ExAC 0.00022; ESP Exome Variant Server 0.00023.
gnomAD v4.1: 495 of 1,611,512 alleles (0.031%); highest among the groups gnomAD compares: Non-Finnish European, 0.041%; 1 homozygote.

Submissions (3):

Women's Health and Genetics/Laboratory Corporation of America, LabCorp
Classification: Uncertain significance. Last evaluated: 2024-12-09. Review status: criteria provided, single submitter. Criteria: LabCorp Variant Classification Summary - May 2015. Collection method: clinical testing. Allele origin: germline.
Comment: Variant summary: GHR c.411T>A (p.Asp137Glu) results in a conservative amino acid change in the encoded protein sequence. Three of five in-silico tools predict a damaging effect of the variant on protein function. The variant allele was found at a frequency of 0.00018 in 251264 control chromosomes. This frequency is not significantly higher than estimated for a pathogenic variant in GHR causing Growth Hormone Insensitivity (0.00018 vs 0.0035), allowing no conclusion about variant significance. To our knowledge, no occurrence of c.411T>A in individuals affected with Growth Hormone Insensitivity and no experimental evidence demonstrating its impact on protein function have been reported. ClinVar contains an entry for this variant (Variation ID: 2203372). Based on the evidence outlined above, the variant was classified as uncertain significance.

Labcorp Genetics (formerly Invitae), Labcorp
Classification: Uncertain significance. Last evaluated: 2024-05-20. Review status: criteria provided, single submitter. Criteria: Invitae Variant Classification Sherloc (09022015). Collection method: clinical testing. Allele origin: germline.
Comment: This sequence change replaces aspartic acid, which is acidic and polar, with glutamic acid, which is acidic and polar, at codon 137 of the GHR protein (p.Asp137Glu). This variant is present in population databases (rs146914111, gnomAD 0.04%). This variant has not been reported in the literature in individuals affected with GHR-related conditions. ClinVar contains an entry for this variant (Variation ID: 2203372). Advanced modeling of protein sequence and biophysical properties (such as structural, functional, and spatial information, amino acid conservation, physicochemical variation, residue mobility, and thermodynamic stability) performed at Invitae indicates that this missense variant is not expected to disrupt GHR protein function with a negative predictive value of 80%. In summary, the available evidence is currently insufficient to determine the role of this variant in disease. Therefore, it has been classified as a Variant of Uncertain Significance.

Centre for Clinical Genetics and Genomic Diagnostics, Zealand University Hospital
Classification: Uncertain significance. Last evaluated: 2023-08-24. Review status: criteria provided, single submitter. Criteria: ACMG Guidelines, 2015. Collection method: clinical testing. Allele origin: germline.